The following is an entry in ClinVar:

ClinVar aggregate classification (germline): Uncertain significance (0 of 4 stars; one submission).

Conditions:
CREBBP-related disorder. Also called: CREBBP-related condition; CREBBP-related disorders.

gnomAD v4.1: 14 of 1,611,876 alleles (0.00087%); highest among the groups gnomAD compares: African/African-American, 0.0013%; no homozygotes.

Submission:

PreventionGenetics, part of Exact Sciences
Classification: Uncertain significance for CREBBP-related condition. Last evaluated: 2024-03-23. Review status: no assertion criteria provided. Collection method: clinical testing. Allele origin: germline.
Comment: The CREBBP c.3916T>G variant is predicted to result in the amino acid substitution p.Phe1306Val. To our knowledge, this variant has not been reported in the literature. This variant is reported in 0.0018% of alleles in individuals of European (Non-Finnish) descent in gnomAD. At this time, the clinical significance of this variant is uncertain due to the absence of conclusive functional and genetic evidence.

NM_004380.3(CREBBP):c.3916T>G (p.Phe1306Val)

Gene: CREBBP (CREB binding lysine acetyltransferase; minus strand). Cytogenetic location: 16p13.3.
Variant type: single nucleotide variant.
Coding change: c.3916T>G on transcript NM_004380.3 (MANE Select); coding-DNA position 3916, T replaced by G.
Protein change: p.Phe1306Val; replaces phenylalanine 1306 with valine.
Molecular consequence: missense variant.
Genome position (GRCh38, 1-based): chr16:3,744,960, A>C on the plus strand (T>G on the coding strand, the complement: CREBBP is on the minus strand). VCF-style: chr16-3744960-A-C. GRCh37 (hg19) VCF-style: chr16-3794961-A-C.
Other names: c.3802T>G, p.Phe1268Val (NM_001079846.1); short protein forms F1268V, F1306V.
Identifiers: ClinVar variation 3348758 (VCV003348758.1).